The following is an entry in ClinVar:

ClinVar aggregate classification (germline): Pathogenic (1 of 4 stars; one submission).

Conditions:
Acute infantile liver failure due to synthesis defect of mtDNA-encoded proteins. Also called: Liver failure acute infantile; LIVER FAILURE, INFANTILE, TRANSIENT; TRMU Deficiency. Identifiers: Orphanet 217371, MedGen C3278664, MONDO:0013111, OMIM 613070.

Submission:

Myriad Genetics, Inc.
Classification: Pathogenic for Acute infantile liver failure due to synthesis defect of mtDNA-encoded proteins. Last evaluated: 2024-05-14. Review status: criteria provided, single submitter. Criteria: Myriad Autosomal Dominant, Autosomal Recessive and X-Linked Classification Criteria (2023). Collection method: clinical testing. Allele origin: unknown.
Comment: NM_018006.4(TRMU):c.576_577ins11(G193Sfs*7) is expected to be pathogenic in the context of acute liver failure, TRMU-related. This variant is predicted to lead to an abnormal or absent protein product due to the creation of a premature termination codon in TRMU, a gene where loss-of-function variants are known to be pathogenic. Please note: this variant was assessed in the context of healthy population screening.

NM_018006.5(TRMU):c.576_577insTCATGTGATTT (p.Gly193fs)

Gene: TRMU (tRNA mitochondrial 2-thiouridylase; plus strand). Cytogenetic location: 22q13.31.
Variant type: Insertion.
Coding change: c.576_577insTCATGTGATTT on transcript NM_018006.5 (MANE Select); coding-DNA positions 576 to 577, TCATGTGATTT inserted.
Protein change: p.Gly193fs; shifts the reading frame from glycine 193.
Molecular consequence: frameshift variant. On other transcripts: non-coding transcript variant (2).
Genome position: GRCh38 VCF-style: chr22-46350388-G-GTCATGTGATTT. GRCh37 (hg19) VCF-style: chr22-46746285-G-GTCATGTGATTT.
Other names: c.234_235insTCATGTGATTT, p.Gly79fs (NM_001282782.2); c.156_157insTCATGTGATTT, p.Gly53fs (NM_001282783.2, NM_001282784.2); c.576_577insTCATGTGATTT, p.Gly193fs (NM_001282785.2); short protein forms G193fs, G53fs, G79fs.
Identifiers: ClinVar variation 5010975 (VCV005010975.1).